The following is an entry in ClinVar:

ClinVar aggregate classification (germline): Uncertain significance (1 of 4 stars; one submission).

Submission:

Mayo Clinic Laboratories, Mayo Clinic
Classification: Uncertain significance. Last evaluated: 2022-07-18. Review status: criteria provided, single submitter. Criteria: ACMG Guidelines, 2015. Collection method: clinical testing. Allele origin: germline. Observed: 1 variant allele.
Comment: PM2_supporting

NM_000088.4(COL1A1):c.989C>A (p.Ala330Asp)

Gene: COL1A1 (collagen type I alpha 1 chain; minus strand). Cytogenetic location: 17q21.33.
Variant type: single nucleotide variant.
Coding change: c.989C>A on transcript NM_000088.4 (MANE Select); coding-DNA position 989, C replaced by A.
Protein change: p.Ala330Asp; replaces alanine 330 with aspartic acid.
Molecular consequence: missense variant.
Genome position (GRCh38, 1-based): chr17:50,196,168, G>T on the plus strand (C>A on the coding strand, the complement: COL1A1 is on the minus strand). VCF-style: chr17-50196168-G-T. GRCh37 (hg19) VCF-style: chr17-48273529-G-T.
Other names: p.Ala330Asp; short protein forms A330D.
Identifiers: ClinVar variation 2683436 (VCV002683436.1), dbSNP rs1435842577, ClinGen allele CA400221295.